The following is an entry in ClinVar:

NM_004187.5(KDM5C):c.3652C>T (p.Arg1218Cys)

Gene: KDM5C (lysine demethylase 5C; minus strand). Cytogenetic location: Xp11.22.
Variant type: single nucleotide variant.
Coding change: c.3652C>T on transcript NM_004187.5 (MANE Select); coding-DNA position 3652, C replaced by T.
Protein change: p.Arg1218Cys; replaces arginine 1218 with cysteine.
Molecular consequence: missense variant. On other transcripts: non-coding transcript variant (3).
Genome position (GRCh38, 1-based): chrX:53,194,525, G>A on the plus strand (C>T on the coding strand, the complement: KDM5C is on the minus strand). VCF-style: chrX-53194525-G-A. GRCh37 (hg19) VCF-style: chrX-53223707-G-A.
Other names: c.3451C>T, p.Arg1151Cys (NM_001146702.2); c.3649C>T, p.Arg1217Cys (NM_001282622.3, NM_001353979.2, NM_001353982.2); c.3652C>T, p.Arg1218Cys (NM_001353978.3, NM_001353981.2, NM_001353984.2); short protein forms R1151C, R1217C, R1218C.
Identifiers: ClinVar variation 2660586 (VCV002660586.26), dbSNP rs1288544172, ClinGen allele CA413107768.

ClinVar aggregate classification (germline): Conflicting classifications of pathogenicity. Review status: criteria provided, conflicting classifications (1 of 4 stars). 2 submissions from 2 submitters: Uncertain significance (1); Likely benign (1). Last evaluated 2024-03-16.

Conditions:
Spastic paraplegia. Identifiers: MedGen C0037772, HP:0001258.

Submissions (2):

Labcorp Genetics (formerly Invitae), Labcorp
Classification: Uncertain significance for Spastic paraplegia. Last evaluated: 2024-03-16. Review status: criteria provided, single submitter. Criteria: Invitae Variant Classification Sherloc (09022015). Collection method: clinical testing. Allele origin: germline.
Comment: This sequence change replaces arginine, which is basic and polar, with cysteine, which is neutral and slightly polar, at codon 1218 of the KDM5C protein (p.Arg1218Cys). This variant is present in population databases (no rsID available, gnomAD 0.01%). This variant has not been reported in the literature in individuals affected with KDM5C-related conditions. ClinVar contains an entry for this variant (Variation ID: 2660586). Advanced modeling of protein sequence and biophysical properties (such as structural, functional, and spatial information, amino acid conservation, physicochemical variation, residue mobility, and thermodynamic stability) has been performed at Invitae for this missense variant, however the output from this modeling did not meet the statistical confidence thresholds required to predict the impact of this variant on KDM5C protein function. In summary, the available evidence is currently insufficient to determine the role of this variant in disease. Therefore, it has been classified as a Variant of Uncertain Significance.

CeGaT Center for Human Genetics Tuebingen
Classification: Likely benign. Last evaluated: 2022-10-01. Review status: criteria provided, single submitter. Criteria: CeGaT Center For Human Genetics Tuebingen Variant Classification Criteria Version 2. Collection method: clinical testing. Allele origin: germline. Affected: yes. Observed: 1 variant allele.
Comment: KDM5C: PP2, BS2